The following is an entry in ClinVar:

NM_001112726.3(CEP170B):c.2311_2316del (p.Arg771_Ser772del)

Gene: CEP170B (centrosomal protein 170B; plus strand). Cytogenetic location: 14q32.33.
Variant type: Deletion.
Coding change: c.2311_2316del on transcript NM_001112726.3 (MANE Select); coding-DNA positions 2311 to 2316, 6 bases deleted (AGGAGC; older notation c.2311_2316delAGGAGC).
Protein change: p.Arg771_Ser772del.
Genome position (GRCh38, 1-based): chr14:104,886,550-104,886,555, AGGAGC deleted; deleting any 6 consecutive bases within chr14:104,886,548-104,886,555 gives the same sequence; the c. name uses the placement nearest the transcript's 3' end. VCF-style (leftmost placement, unchanged base first): chr14-104886547-CGCAGGA-C. GRCh37 (hg19) VCF-style: chr14-105352884-CGCAGGA-C.
Other names: c.2101_2106del, p.Arg701_Ser702del (NM_015005.3).
Identifiers: ClinVar variation 3055749 (VCV003055749.2), dbSNP rs60001925, ClinGen allele CA7375822.

ClinVar aggregate classification (germline): Benign (0 of 4 stars; one submission).

Conditions:
CEP170B-related disorder. Also called: CEP170B-related condition.

Submission:

PreventionGenetics, part of Exact Sciences
Classification: Benign for CEP170B-related condition. Last evaluated: 2019-02-21. Review status: no assertion criteria provided. Collection method: clinical testing. Allele origin: germline.
Comment: This variant is classified as benign based on ACMG/AMP sequence variant interpretation guidelines (Richards et al. 2015 PMID: 25741868, with internal and published modifications).